The following is an entry in ClinVar:

NM_001199397.3(NEK1):c.833A>G (p.Lys278Arg)

Gene: NEK1 (NIMA related kinase 1; minus strand). Cytogenetic location: 4q33.
Variant type: single nucleotide variant.
Coding change: c.833A>G on transcript NM_001199397.3 (MANE Select); coding-DNA position 833, A replaced by G.
Protein change: p.Lys278Arg; replaces lysine 278 with arginine.
Molecular consequence: missense variant. On other transcripts: non-coding transcript variant (2).
Genome position (GRCh38, 1-based): chr4:169,580,877, T>C on the plus strand (A>G on the coding strand, the complement: NEK1 is on the minus strand). VCF-style: chr4-169580877-T-C. GRCh37 (hg19) VCF-style: chr4-170502028-T-C.
Other names: c.833A>G, p.Lys278Arg (NM_001199398.3, NM_001199399.3, NM_001199400.3 and 7 more transcripts); short protein forms K278R.
Identifiers: ClinVar variation 2632908 (VCV002632908.2), dbSNP rs746848998, ClinGen allele CA3137940.

ClinVar aggregate classification (germline): Uncertain significance. Review status: criteria provided, multiple submitters, no conflicts (2 of 4 stars). 2 submissions from 2 submitters: Uncertain significance (2). Last evaluated 2025-09-10.

Conditions:
Short-rib thoracic dysplasia 6 with or without polydactyly (SRTD6). Also called: POLYDACTYLY WITH NEONATAL CHONDRODYSTROPHY, TYPE II; SHORT-RIB THORACIC DYSPLASIA 6 WITH POLYDACTYLY; Majewski Syndrome; SHORT-RIB THORACIC DYSPLASIA 6 WITHOUT POLYDACTYLY; SHORT RIB-POLYDACTYLY SYNDROME, TYPE IIA. Identifiers: MedGen C0024507, MONDO:0009894, OMIM 263520.
NEK1-related disorder. Also called: NEK1-related condition.

Allele frequency attached by ClinVar (database versions not stated): gnomAD 0.00001; gnomAD exomes 0.00001; TOPMed 0.00002; ExAC 0.00005.
gnomAD v4.1: 12 of 1,533,036 alleles (0.00078%); highest among the groups gnomAD compares: African/African-American, 0.0028%; no homozygotes.

Submissions (2):

Labcorp Genetics (formerly Invitae), Labcorp
Classification: Uncertain significance for Short-rib thoracic dysplasia 6 with or without polydactyly. Last evaluated: 2025-09-10. Review status: criteria provided, single submitter. Criteria: Invitae Variant Classification Sherloc (09022015). Collection method: clinical testing. Allele origin: germline.
Comment: This sequence change replaces lysine, which is basic and polar, with arginine, which is basic and polar, at codon 278 of the NEK1 protein (p.Lys278Arg). This variant is present in population databases (rs746848998, gnomAD 0.002%). This variant has not been reported in the literature in individuals affected with NEK1-related conditions. ClinVar contains an entry for this variant (Variation ID: 2632908). Invitae Evidence Modeling of protein sequence and biophysical properties (such as structural, functional, and spatial information, amino acid conservation, physicochemical variation, residue mobility, and thermodynamic stability) indicates that this missense variant is not expected to disrupt NEK1 protein function with a negative predictive value of 95%. In summary, the available evidence is currently insufficient to determine the role of this variant in disease. Therefore, it has been classified as a Variant of Uncertain Significance.

PreventionGenetics, part of Exact Sciences
Classification: Uncertain significance for NEK1-related condition. Last evaluated: 2023-04-24. Review status: criteria provided, single submitter. Criteria: ACMG Guidelines, 2015. Collection method: clinical testing. Allele origin: germline.
Comment: The NEK1 c.833A>G variant is predicted to result in the amino acid substitution p.Lys278Arg. To our knowledge, this variant has not been reported in the literature or in a large population database, indicating this variant is rare. At this time, the clinical significance of this variant is uncertain due to the absence of conclusive functional and genetic evidence.